The following is an entry in ClinVar:

ClinVar aggregate classification (germline): Uncertain significance (1 of 4 stars; one submission).

Conditions:
Early Myoclonic Encephalopathy. Identifiers: MedGen C0270855.

Allele frequency attached by ClinVar (database versions not stated): TOPMed below 0.00001.

Submission:

Labcorp Genetics (formerly Invitae), Labcorp
Classification: Uncertain significance for Early Myoclonic Encephalopathy. Last evaluated: 2022-01-26. Review status: criteria provided, single submitter. Criteria: Invitae Variant Classification Sherloc (09022015). Collection method: clinical testing. Allele origin: germline.
Comment: This variant is not present in population databases (gnomAD no frequency). This sequence change replaces serine, which is neutral and polar, with arginine, which is basic and polar, at codon 1330 of the JMJD1C protein (p.Ser1330Arg). This variant has not been reported in the literature in individuals affected with JMJD1C-related conditions. Algorithms developed to predict the effect of missense changes on protein structure and function (SIFT, PolyPhen-2, Align-GVGD) all suggest that this variant is likely to be tolerated. In summary, the available evidence is currently insufficient to determine the role of this variant in disease. Therefore, it has been classified as a Variant of Uncertain Significance.

NM_032776.3(JMJD1C):c.3990T>A (p.Ser1330Arg)

Gene: JMJD1C (jumonji domain containing 1C; minus strand). Cytogenetic location: 10q21.3.
Variant type: single nucleotide variant.
Coding change: c.3990T>A on transcript NM_032776.3 (MANE Select); coding-DNA position 3990, T replaced by A.
Protein change: p.Ser1330Arg; replaces serine 1330 with arginine.
Molecular consequence: missense variant. On other transcripts: non-coding transcript variant (1).
Genome position (GRCh38, 1-based): chr10:63,207,679, A>T on the plus strand (T>A on the coding strand, the complement: JMJD1C is on the minus strand). VCF-style: chr10-63207679-A-T. GRCh37 (hg19) VCF-style: chr10-64967439-A-T.
Other names: c.3444T>A, p.Ser1148Arg (NM_001282948.2, NM_001318154.2); c.3126T>A, p.Ser1042Arg (NM_001318153.2); c.3876T>A, p.Ser1292Arg (NM_001322252.2); c.3333T>A, p.Ser1111Arg (NM_001322254.2, NM_001322258.2); short protein forms S1111R, S1042R, S1292R, S1330R, S1148R.
Identifiers: ClinVar variation 2049789 (VCV002049789.4), dbSNP rs1846803512, ClinGen allele CA377038988.